The following is an entry in ClinVar:

ClinVar aggregate classification (germline): Uncertain significance (1 of 4 stars; one submission).

Allele frequency attached by ClinVar (database versions not stated): TOPMed below 0.00001; gnomAD 0.00001.
gnomAD v4.1: 4 of 1,610,540 alleles (0.00025%); highest among the groups gnomAD compares: East Asian, 0.0022%; no homozygotes.

Submission:

Labcorp Genetics (formerly Invitae), Labcorp
Classification: Uncertain significance. Last evaluated: 2022-03-15. Review status: criteria provided, single submitter. Criteria: Invitae Variant Classification Sherloc (09022015). Collection method: clinical testing. Allele origin: germline.
Comment: This variant has not been reported in the literature in individuals affected with GRID2-related conditions. Algorithms developed to predict the effect of missense changes on protein structure and function are either unavailable or do not agree on the potential impact of this missense change (SIFT: "Deleterious"; PolyPhen-2: "Probably Damaging"; Align-GVGD: "Class C0"). In summary, the available evidence is currently insufficient to determine the role of this variant in disease. Therefore, it has been classified as a Variant of Uncertain Significance.

NM_001510.4(GRID2):c.2302C>T (p.Arg768Trp)

Gene: GRID2 (glutamate ionotropic receptor delta type subunit 2; plus strand). Cytogenetic location: 4q22.2.
Variant type: single nucleotide variant.
Coding change: c.2302C>T on transcript NM_001510.4 (MANE Select); coding-DNA position 2302, C replaced by T.
Protein change: p.Arg768Trp; replaces arginine 768 with tryptophan.
Molecular consequence: missense variant.
Genome position (GRCh38, 1-based): chr4:93,626,377, C>T. VCF-style: chr4-93626377-C-T. GRCh37 (hg19) VCF-style: chr4-94547528-C-T.
Other names: c.2017C>T, p.Arg673Trp (NM_001286838.1); short protein forms R673W, R768W.
Identifiers: ClinVar variation 2162742 (VCV002162742.1), dbSNP rs748395803, ClinGen allele CA357726749.
Genomic context (GRCh38, chr4:93,626,377, plus strand): 5'-TATGTGGCTATCAATGACCCAGATTGTTCCTTTTACACCATTGGAAATACTGTTGCTGAT[C>T]GGGGATATGGAATTGCATTACAACATGGCAGTCCTTACCGAGATGTTTTTTCACAAAGGT-3'
Protein context (NP_001501.2, residues 758-778): FYTIGNTVAD[Arg768Trp]GYGIALQHGS